The following is an entry in ClinVar:

ClinVar aggregate classification (germline): Pathogenic. Review status: criteria provided, single submitter (1 of 4 stars). 2 submissions from 2 submitters: Pathogenic (1). 1 of the submissions does not count toward it. Last evaluated 2025-09-28.

Conditions:
Achromatopsia 3 (ACHM3). Also called: ROD MONOCHROMACY 1; ROD MONOCHROMATISM 1; PINGELAPESE BLINDNESS; TOTAL COLORBLINDNESS WITH MYOPIA; ACHROMATOPSIA WITH MYOPIA. Identifiers: Orphanet 49382, MedGen C1849792, MONDO:0009875, OMIM 262300.

Allele frequency attached by ClinVar (database versions not stated): ExAC 0.00001; gnomAD 0.00001; TOPMed 0.00001; ESP Exome Variant Server 0.00015; gnomAD exomes below 0.00001.
gnomAD v4.1: 2 of 1,613,920 alleles (0.00012%); highest among the groups gnomAD compares: African/African-American, 0.0027%; no homozygotes.

Submissions (2):

Labcorp Genetics (formerly Invitae), Labcorp
Classification: Pathogenic. Last evaluated: 2025-09-28. Review status: criteria provided, single submitter. Criteria: Invitae Variant Classification Sherloc (09022015). Collection method: clinical testing. Allele origin: germline.
Comment: This sequence change creates a premature translational stop signal (p.Tyr252*) in the CNGB3 gene. It is expected to result in an absent or disrupted protein product. Loss-of-function variants in CNGB3 are known to be pathogenic (PMID: 28795510). This variant is present in population databases (rs371318766, gnomAD 0.007%). This premature translational stop signal has been observed in individual(s) with clinical features of achromatopsia (PMID: 28795510). ClinVar contains an entry for this variant (Variation ID: 427685). Algorithms developed to predict the effect of sequence changes on RNA splicing suggest that this variant may disrupt the consensus splice site. For these reasons, this variant has been classified as Pathogenic.

Molecular Genetics Laboratory, Institute for Ophthalmic Research
Classification: Pathogenic for ACHM3. Last evaluated: 2017-03-27. Review status: no assertion criteria provided. Collection method: research. Allele origin: unknown. Affected: yes. Not counted in ClinVar's aggregate classification.

Literature cited by the submitters: PubMed 28795510 (cited by Labcorp Genetics (formerly Invitae), Labcorp and Molecular Genetics Laboratory, Institute for Ophthalmic Research).

NM_019098.5(CNGB3):c.756C>G (p.Tyr252Ter)

Gene: CNGB3 (cyclic nucleotide gated channel subunit beta 3; minus strand). Cytogenetic location: 8q21.3.
Variant type: single nucleotide variant.
Coding change: c.756C>G on transcript NM_019098.5 (MANE Select); coding-DNA position 756, C replaced by G.
Protein change: p.Tyr252Ter; replaces tyrosine 252 with a stop codon.
Molecular consequence: nonsense.
Genome position (GRCh38, 1-based): chr8:86,667,021, G>C on the plus strand (C>G on the coding strand, the complement: CNGB3 is on the minus strand). VCF-style: chr8-86667021-G-C. GRCh37 (hg19) VCF-style: chr8-87679249-G-C.
Other names: short protein forms Y252*.
Identifiers: ClinVar variation 427685 (VCV000427685.5), dbSNP rs371318766, ClinGen allele CA4800282.